The following is an entry in ClinVar:

ClinVar aggregate classification (germline): Uncertain significance (1 of 4 stars; one submission).

Allele frequency attached by ClinVar (database versions not stated): gnomAD exomes below 0.00001.
gnomAD v4.1: 1 of 1,608,650 alleles (0.000062%); highest among the groups gnomAD compares: Non-Finnish European, 0.000085%; no homozygotes.

Submission:

Ambry Genetics
Classification: Uncertain significance. Last evaluated: 2022-02-12. Review status: criteria provided, single submitter. Criteria: Ambry Variant Classification Scheme 2023. Collection method: clinical testing. Allele origin: germline.
Comment: The p.V165I variant (also known as c.493G>A), located in coding exon 6 of the BUB1 gene, results from a G to A substitution at nucleotide position 493. The valine at codon 165 is replaced by isoleucine, an amino acid with highly similar properties. This amino acid position is conserved. In addition, this alteration is predicted to be tolerated by in silico analysis. Since supporting evidence is limited at this time, the clinical significance of this alteration remains unclear.

NM_004336.5(BUB1):c.493G>A (p.Val165Ile)

Gene: BUB1 (BUB1 mitotic checkpoint serine/threonine kinase; minus strand). Cytogenetic location: 2q13.
Variant type: single nucleotide variant.
Coding change: c.493G>A on transcript NM_004336.5 (MANE Select); coding-DNA position 493, G replaced by A.
Protein change: p.Val165Ile; replaces valine 165 with isoleucine.
Molecular consequence: missense variant.
Genome position (GRCh38, 1-based): chr2:110,669,527, C>T on the plus strand (G>A on the coding strand, the complement: BUB1 is on the minus strand). VCF-style: chr2-110669527-C-T. GRCh37 (hg19) VCF-style: chr2-111427104-C-T.
Other names: c.433G>A, p.Val145Ile (NM_001278616.2); c.493G>A, p.Val165Ile (NM_001278617.2); short protein forms V165I, V145I.
Identifiers: ClinVar variation 1744264 (VCV001744264.2), dbSNP rs2468031041, ClinGen allele CA348219311.